The following is an entry in ClinVar:

ClinVar aggregate classification (germline): Uncertain significance (1 of 4 stars; one submission).

Conditions:
Neuromuscular disease and ocular or auditory anomalies with or without seizures. Also called: NEUROMUSCULAR OCULOAUDITORY SYNDROME. Identifiers: MedGen C5231483, MONDO:0032890, OMIM 618733.

gnomAD v4.1: 5 of 1,606,454 alleles (0.00031%); highest among the groups gnomAD compares: Non-Finnish European, 0.00043%; no homozygotes.

Submission:

MVZ Medizinische Genetik Mainz
Classification: Uncertain significance for Neuromuscular disease and ocular or auditory anomalies with or without seizures. Last evaluated: 2025-03-07. Review status: criteria provided, single submitter. Criteria: UK Practice Guidelines For Variant Classification V4 01 2020. Collection method: clinical testing. Allele origin: germline. Inheritance: Autosomal dominant inheritance. Affected: yes. Observed: 1 variant allele.
Comment: ACMG Criteria: PM2_SUP,PP3

NM_003587.5(DHX16):c.1637T>A (p.Leu546His)

Gene: DHX16 (DEAH-box helicase 16; minus strand). Cytogenetic location: 6p21.33.
Variant type: single nucleotide variant.
Coding change: c.1637T>A on transcript NM_003587.5 (MANE Select); coding-DNA position 1637, T replaced by A.
Protein change: p.Leu546His; replaces leucine 546 with histidine.
Molecular consequence: missense variant.
Genome position (GRCh38, 1-based): chr6:30,660,150, A>T on the plus strand (T>A on the coding strand, the complement: DHX16 is on the minus strand). VCF-style: chr6-30660150-A-T. GRCh37 (hg19) VCF-style: chr6-30627927-A-T.
Other names: c.1457T>A, p.Leu486His (NM_001164239.2); c.194T>A, p.Leu65His (NM_001363515.2); short protein forms L486H, L546H, L65H.
Identifiers: ClinVar variation 3774586 (VCV003774586.1).